The following is an entry in ClinVar:

ClinVar aggregate classification (germline): Benign/Likely benign. Review status: criteria provided, multiple submitters, no conflicts (2 of 4 stars). 10 submissions from 10 submitters: Benign (9); Likely benign (1). Last evaluated 2026-02-04.

Conditions:
Primary ciliary dyskinesia. Also called: Ciliary dyskinesia. Identifiers: Orphanet 244, MedGen C0008780, MONDO:0016575, HP:0012265.
Primary ciliary dyskinesia 11. Also called: CILIARY DYSKINESIA, PRIMARY, 11, WITHOUT SITUS INVERSUS. Identifiers: Orphanet 244, MedGen C2675229, MONDO:0012978, OMIM 612649.

Allele frequency attached by ClinVar (database versions not stated): gnomAD exomes 0.61152 and 0.63777; TOPMed 0.69722; ExAC 0.64698; gnomAD 0.69311 and 0.69639; 1000 Genomes Project 30x 0.71674; ESP Exome Variant Server 0.69883; 1000 Genomes Project 0.71006.
gnomAD v4.1: 996,003 of 1,608,076 alleles (62%); highest among the groups gnomAD compares: African/African-American, 93%; 314,154 homozygotes.

Submissions (10):

Labcorp Genetics (formerly Invitae), Labcorp
Classification: Benign for Primary ciliary dyskinesia. Last evaluated: 2026-02-04. Review status: criteria provided, single submitter. Criteria: Invitae Variant Classification Sherloc (09022015). Collection method: clinical testing. Allele origin: germline.

Blueprint Genetics
Classification: Likely benign. Last evaluated: 2024-11-27. Review status: criteria provided, single submitter. Criteria: ACMG Guidelines, 2015. Collection method: clinical testing. Allele origin: germline.

Mayo Clinic Laboratories, Mayo Clinic
Classification: Benign. Last evaluated: 2022-04-26. Review status: criteria provided, single submitter. Criteria: ACMG Guidelines, 2015. Collection method: clinical testing. Allele origin: germline. Observed: 179 variant alleles.

Genome-Nilou Lab
Classification: Benign for Primary ciliary dyskinesia 11. Last evaluated: 2021-11-07. Review status: criteria provided, single submitter. Criteria: ACMG Guidelines, 2015. Collection method: clinical testing. Allele origin: germline. Affected: no.

GeneDx
Classification: Benign. Last evaluated: 2018-11-27. Review status: criteria provided, single submitter. Criteria: GeneDx Variant Classification Process June 2021. Collection method: clinical testing. Allele origin: germline. Affected: yes.

Illumina Laboratory Services, Illumina
Classification: Benign for Primary ciliary dyskinesia 11. Last evaluated: 2018-01-12. Review status: criteria provided, single submitter. Criteria: ICSL Variant Classification Criteria 13 December 2019. Collection method: clinical testing. Allele origin: germline.
Comment: This variant was observed in the ICSL laboratory as part of a predisposition screen in an ostensibly healthy population. It had not been previously curated by ICSL or reported in the Human Gene Mutation Database (HGMD: prior to June 1st, 2018), and was therefore a candidate for classification through an automated scoring system. Utilizing variant allele frequency, disease prevalence and penetrance estimates, and inheritance mode, an automated score was calculated to assess if this variant is too frequent to cause the disease. Based on the score and internal cut-off values, a variant classified as benign is not then subjected to further curation. The score for this variant resulted in a classification of benign for this disease.

Eurofins Ntd Llc (ga)
Classification: Benign. Last evaluated: 2015-03-05. Review status: criteria provided, single submitter. Criteria: EGL Classification Definitions 2015. Collection method: clinical testing. Allele origin: germline. Observed: 50 variant alleles, 26 heterozygotes, 24 homozygotes.

Ambry Genetics
Classification: Benign for Primary ciliary dyskinesia. Last evaluated: 2014-12-01. Review status: criteria provided, single submitter. Criteria: Ambry Variant Classification Scheme 2023. Collection method: clinical testing. Allele origin: germline.

Laboratory for Molecular Medicine, Mass General Brigham Personalized Medicine
Classification: Benign. Last evaluated: 2013-02-21. Review status: criteria provided, single submitter. Criteria: LMM Criteria. Collection method: clinical testing. Allele origin: germline. Observed: 97 variant alleles.
Comment: Leu589Pro in exon 4 of RSPH4A: This variant is not expected to have clinical sig nificance because it has been identified in 40.7% (3499/8600) of European Americ an chromosomes from a broad population by the NHLBI Exome Sequencing Project (dbSNP rs784133).

PreventionGenetics, part of Exact Sciences
Classification: Benign. Review status: criteria provided, single submitter. Criteria: ACMG Guidelines, 2015. Collection method: clinical testing. Allele origin: germline.

NM_001010892.3(RSPH4A):c.1766T>C (p.Leu589Pro)

Gene: RSPH4A (radial spoke head component 4A; plus strand). Cytogenetic location: 6q22.1.
Variant type: single nucleotide variant.
Coding change: c.1766T>C on transcript NM_001010892.3 (MANE Select); coding-DNA position 1766, T replaced by C.
Protein change: p.Leu589Pro; replaces leucine 589 with proline.
Molecular consequence: missense variant. On other transcripts: intron variant (1).
Genome position (GRCh38, 1-based): chr6:116,629,670, T>C. VCF-style: chr6-116629670-T-C. GRCh37 (hg19) VCF-style: chr6-116950833-T-C.
Other names: c.1663-765T>C (NM_001161664.2); short protein forms L589P.
Identifiers: ClinVar variation 165061 (VCV000165061.30), dbSNP rs784133, ClinGen allele CA177728.